The following is an entry in ClinVar:

NM_000038.6(APC):c.7295del (p.Arg2431_Ser2432insTer)

Gene: APC (APC regulator of Wnt signaling pathway; plus strand). Cytogenetic location: 5q22.2.
Variant type: Deletion.
Coding change: c.7295del on transcript NM_000038.6 (MANE Select); coding-DNA position 7295, one base deleted (C; older notation c.7295delC).
Protein change: p.Arg2431_Ser2432insTer.
Molecular consequence: nonsense.
Genome position (GRCh38, 1-based): chr5:112,842,889, C deleted. VCF-style (leftmost placement, unchanged base first): chr5-112842888-TC-T. GRCh37 (hg19) VCF-style: chr5-112178585-TC-T.
Other names: c.7295del, p.Arg2431_Ser2432insTer (NM_001127510.3, NM_001354895.2); c.7241del, p.Arg2413_Ser2414insTer (NM_001127511.3); c.7349del, p.Arg2449_Ser2450insTer (NM_001354896.2); c.7325del, p.Arg2441_Ser2442insTer (NM_001354897.2); c.7220del, p.Arg2406_Ser2407insTer (NM_001354898.2); c.7211del, p.Arg2403_Ser2404insTer (NM_001354899.2); c.7172del, p.Arg2390_Ser2391insTer (NM_001354900.2); c.7118del, p.Arg2372_Ser2373insTer (NM_001354901.2); and 5 more.
Identifiers: ClinVar variation 1379163 (VCV001379163.8), dbSNP rs2149983785, ClinGen allele CA2573138703.
Genomic context (GRCh38, chr5:112,842,888, plus strand): 5'-AAAAAGGTAGAACTTTCTAGAATGTCTTCAACTAAATCAAGTGGAAGTGAATCTGATAGA[TC>T]AGAAAGACCTGTATTAGTACGCCAGTCAACTTTCATCAAAGAAGCTCCAAGCCCAACCTT-3'

ClinVar aggregate classification (germline): Pathogenic (1 of 4 stars; one submission).

Conditions:
Familial adenomatous polyposis 1 (FAP1). Also called: FAMILIAL ADENOMATOUS POLYPOSIS 1, ATTENUATED; POLYPOSIS, ADENOMATOUS INTESTINAL. Identifiers: MedGen C2713442, MONDO:0021056, OMIM 175100. Disease mechanism: loss of function.

Submission:

Labcorp Genetics (formerly Invitae), Labcorp
Classification: Pathogenic for Familial adenomatous polyposis 1. Last evaluated: 2020-12-09. Review status: criteria provided, single submitter. Criteria: Invitae Variant Classification Sherloc (09022015). Collection method: clinical testing. Allele origin: germline.
Comment: This variant is expected to disrupt the EB1 and HDLG binding sites, which mediate interactions with the cytoskeleton (PMID: 15311282, 17293347). While functional studies have not been performed to directly test the effect on APC protein function, this suggests that disruption of the C-terminal portion of the protein is functionally important. For these reasons, this variant has been classified as Pathogenic. A different truncation (p.Tyr2645Lysfs*14) that lies downstream of this variant has been determined to be pathogenic (PMID: 9824584, 1316610, 27081525, 8381579, 22135120, Invitae). This suggests that deletion of this region of the APC protein is causative of disease. This variant has not been reported in the literature in individuals with APC-related conditions. This variant is not present in population databases (ExAC no frequency). This sequence change creates a premature translational stop signal (p.Ser2432*) in the APC gene. While this is not anticipated to result in nonsense mediated decay, it is expected to disrupt the last 412 amino acid(s) of the APC protein.

Literature cited by the submitters: PubMed 15311282; PubMed 17293347; PubMed 9824584; PubMed 1316610; PubMed 27081525; PubMed 8381579; PubMed 22135120.